The following is an entry in ClinVar:

ClinVar aggregate classification (germline): Benign. Review status: criteria provided, multiple submitters, no conflicts (2 of 4 stars). 3 submissions from 3 submitters: Benign (2). 1 of the submissions does not count toward it. Last evaluated 2019-12-31.

Conditions:
CRYZ-related disorder. Also called: CRYZ-related condition.

Allele frequency attached by ClinVar (database versions not stated): gnomAD exomes 0.00158 and 0.00426; gnomAD 0.01766 and 0.01890; ESP Exome Variant Server 0.01899; 1000 Genomes Project 0.02097; ExAC 0.00536; TOPMed 0.01956; 1000 Genomes Project 30x 0.02124.
gnomAD v4.1: 5,115 of 1,613,862 alleles (0.32%); highest among the groups gnomAD compares: African/African-American, 6.1%; 135 homozygotes.

Submissions (3):

Labcorp Genetics (formerly Invitae), Labcorp
Classification: Benign. Last evaluated: 2019-12-31. Review status: criteria provided, single submitter. Criteria: Invitae Variant Classification Sherloc (09022015). Collection method: clinical testing. Allele origin: germline.

Breakthrough Genomics
Classification: Benign. Review status: criteria provided, single submitter. Criteria: ACMG Guidelines, 2015. Collection method: not provided. Allele origin: germline. Inheritance: Unknown mechanism. Affected: yes.

PreventionGenetics, part of Exact Sciences
Classification: Benign for CRYZ-related condition. Last evaluated: 2019-11-07. Review status: no assertion criteria provided. Collection method: clinical testing. Allele origin: germline. Not counted in ClinVar's aggregate classification.
Comment: This variant is classified as benign based on ACMG/AMP sequence variant interpretation guidelines (Richards et al. 2015 PMID: 25741868, with internal and published modifications).

NM_001889.4(CRYZ):c.547G>A (p.Glu183Lys)

Gene: CRYZ (crystallin zeta; minus strand). Cytogenetic location: 1p31.1.
Variant type: single nucleotide variant.
Coding change: c.547G>A on transcript NM_001889.4 (MANE Select); coding-DNA position 547, G replaced by A.
Protein change: p.Glu183Lys; replaces glutamic acid 183 with lysine.
Molecular consequence: missense variant.
Genome position (GRCh38, 1-based): chr1:74,710,181, C>T on the plus strand (G>A on the coding strand, the complement: CRYZ is on the minus strand). VCF-style: chr1-74710181-C-T. GRCh37 (hg19) VCF-style: chr1-75175865-C-T.
Other names: c.547G>A, p.Glu183Lys (NM_001130042.2, NM_001130043.2); c.136G>A, p.Glu46Lys (NM_001134759.2); short protein forms E183K, E46K.
Identifiers: ClinVar variation 783288 (VCV000783288.7), dbSNP rs17095822, ClinGen allele CA911313.
Genomic context (GRCh38, chr1:74,710,181, plus strand): 5'-CTTCTCTGTGATTGAACACTTCATGGGCTCCATTTTGCAAAACAATCTTTTGTCCTTCCT[C>T]AGTACCAGCAGTGCCCAAAATCTTTAAGCCATAAGCTCTAGCAATTTGGCATGCTGCTAA-3'
Protein context (NP_001880.2, residues 173-193): GLKILGTAGT[Glu183Lys]EGQKIVLQNG